The following is an entry in ClinVar:

ClinVar aggregate classification (germline): Benign/Likely benign. Review status: criteria provided, multiple submitters, no conflicts (2 of 4 stars). 4 submissions from 4 submitters: Benign (1); Likely benign (3). Last evaluated 2025-12-23.

Conditions:
Autosomal recessive spastic paraplegia type 78. Identifiers: Orphanet 513436, MedGen C5567893, MONDO:0014975, OMIM 617225.
Kufor-Rakeb syndrome (KRS). Also called: PARKINSON DISEASE 9, AUTOSOMAL RECESSIVE, JUVENILE-ONSET. Identifiers: Orphanet 306674, Orphanet 314632, MedGen C1847640, MONDO:0011706, OMIM 606693.
Inborn genetic diseases. Identifiers: MedGen C0950123, MeSH D030342.

Allele frequency attached by ClinVar (database versions not stated): ExAC 0.00013; ESP Exome Variant Server 0.00015.
gnomAD v4.1: 208 of 1,614,080 alleles (0.013%); highest among the groups gnomAD compares: Non-Finnish European, 0.017%; 1 homozygote.

Submissions (4):

Labcorp Genetics (formerly Invitae), Labcorp
Classification: Likely benign for Kufor-Rakeb syndrome; Autosomal recessive spastic paraplegia type 78. Last evaluated: 2025-12-23. Review status: criteria provided, single submitter. Criteria: Invitae Variant Classification Sherloc (09022015). Collection method: clinical testing. Allele origin: germline.

Mayo Clinic Laboratories, Mayo Clinic
Classification: Likely benign. Last evaluated: 2025-03-04. Review status: criteria provided, single submitter. Criteria: ACMG Guidelines, 2015. Collection method: clinical testing. Allele origin: germline. Observed: 1 variant allele.
Comment: BP4, BP7

Athena Diagnostics
Classification: Benign. Last evaluated: 2024-05-10. Review status: criteria provided, single submitter. Criteria: Athena Diagnostics Criteria. Collection method: clinical testing. Allele origin: unknown.

Ambry Genetics
Classification: Likely benign for Inborn genetic diseases. Last evaluated: 2018-03-09. Review status: criteria provided, single submitter. Criteria: Ambry Variant Classification Scheme 2023. Collection method: clinical testing. Allele origin: germline.

NM_022089.4(ATP13A2):c.2742G>A (p.Glu914=)

Gene: ATP13A2 (ATPase cation transporting 13A2; minus strand). Cytogenetic location: 1p36.13.
Variant type: single nucleotide variant.
Coding change: c.2742G>A on transcript NM_022089.4 (MANE Select); coding-DNA position 2742, G replaced by A.
Protein change: p.Glu914=; no amino-acid change (glutamic acid 914 retained).
Molecular consequence: synonymous variant.
Genome position (GRCh38, 1-based): chr1:16,988,342, C>T on the plus strand (G>A on the coding strand, the complement: ATP13A2 is on the minus strand). VCF-style: chr1-16988342-C-T. GRCh37 (hg19) VCF-style: chr1-17314837-C-T.
Other names: p.Glu914=; c.2727G>A, p.Glu909= (NM_001141973.3); c.2610G>A, p.Glu870= (NM_001141974.3).
Identifiers: ClinVar variation 1126234 (VCV001126234.11), dbSNP rs146234171, ClinGen allele CA636729.